The following is an entry in ClinVar:

NM_004958.4(MTOR):c.1626G>T (p.Met542Ile)

Gene: MTOR (mechanistic target of rapamycin kinase; minus strand). Cytogenetic location: 1p36.22.
Variant type: single nucleotide variant.
Coding change: c.1626G>T on transcript NM_004958.4 (MANE Select); coding-DNA position 1626, G replaced by T.
Protein change: p.Met542Ile; replaces methionine 542 with isoleucine.
Molecular consequence: missense variant.
Genome position (GRCh38, 1-based): chr1:11,240,463, C>A on the plus strand (G>T on the coding strand, the complement: MTOR is on the minus strand). VCF-style: chr1-11240463-C-A. GRCh37 (hg19) VCF-style: chr1-11300520-C-A.
Other names: c.1626G>T, p.Met542Ile (NM_001386500.1); c.378G>T, p.Met126Ile (NM_001386501.1); short protein forms M126I, M542I.
Identifiers: ClinVar variation 3679333 (VCV003679333.3).
Genomic context (GRCh38, chr1:11,240,463, plus strand): 5'-GGCCAGGCCCTTGGGCATGCCTGGGTGGCGAAGGGGTTTGTGCATAAGGACCAGGGACAG[C>A]ATTTTCAGTAGCCCATCTTGAATGTCCTTCTTTAGCTGTGGAATCTGACGGCTCAGGTCG-3'
Protein context (NP_004949.1, residues 532-552): KKDIQDGLLK[Met542Ile]LSLVLMHKPL

ClinVar aggregate classification (germline): Uncertain significance. Review status: criteria provided, multiple submitters, no conflicts (2 of 4 stars). 2 submissions from 2 submitters: Uncertain significance (2). Last evaluated 2026-06-17.

Conditions:
Inborn genetic diseases. Identifiers: MedGen C0950123, MeSH D030342.

gnomAD v4.1: 1 of 1,614,230 alleles (0.000062%); highest among the groups gnomAD compares: Non-Finnish European, 0.000085%; no homozygotes.

Submissions (2):

Ambry Genetics
Classification: Uncertain significance for Inborn genetic diseases. Last evaluated: 2026-06-17. Review status: criteria provided, single submitter. Criteria: Ambry Variant Classification Scheme 2023. Collection method: clinical testing. Allele origin: germline.

Labcorp Genetics (formerly Invitae), Labcorp
Classification: Uncertain significance. Last evaluated: 2024-03-18. Review status: criteria provided, single submitter. Criteria: Invitae Variant Classification Sherloc (09022015). Collection method: clinical testing. Allele origin: germline.
Comment: This sequence change replaces methionine, which is neutral and non-polar, with isoleucine, which is neutral and non-polar, at codon 542 of the MTOR protein (p.Met542Ile). This variant is not present in population databases (gnomAD no frequency). This variant has not been reported in the literature in individuals affected with MTOR-related conditions. Advanced modeling of protein sequence and biophysical properties (such as structural, functional, and spatial information, amino acid conservation, physicochemical variation, residue mobility, and thermodynamic stability) performed at Invitae indicates that this missense variant is not expected to disrupt MTOR protein function with a negative predictive value of 95%. In summary, the available evidence is currently insufficient to determine the role of this variant in disease. Therefore, it has been classified as a Variant of Uncertain Significance.